The following is an entry in ClinVar:

NM_016507.4(CDK12):c.1249G>A (p.Gly417Arg)

Gene: CDK12 (cyclin dependent kinase 12; plus strand). Cytogenetic location: 17q12.
Variant type: single nucleotide variant.
Coding change: c.1249G>A on transcript NM_016507.4 (MANE Select); coding-DNA position 1249, G replaced by A.
Protein change: p.Gly417Arg; replaces glycine 417 with arginine.
Molecular consequence: missense variant.
Genome position (GRCh38, 1-based): chr17:39,471,081, G>A. VCF-style: chr17-39471081-G-A. GRCh37 (hg19) VCF-style: chr17-37627334-G-A.
Other names: c.1249G>A, p.Gly417Arg (NM_015083.4); short protein forms G417R.
Identifiers: ClinVar variation 4841681 (VCV004841681.1).

ClinVar aggregate classification (germline): Uncertain significance (1 of 4 stars; one submission).

gnomAD v4.1: 1 of 1,613,646 alleles (0.000062%); highest among the groups gnomAD compares: Non-Finnish European, 0.000085%; no homozygotes.

Submission:

Ambry Genetics
Classification: Uncertain significance. Last evaluated: 2025-12-22. Review status: criteria provided, single submitter. Criteria: Ambry Variant Classification Scheme 2023. Collection method: clinical testing. Allele origin: germline.
Comment: The p.G417R variant (also known as c.1249G>A), located in coding exon 2 of the CDK12 gene, results from a G to A substitution at nucleotide position 1249. The glycine at codon 417 is replaced by arginine, an amino acid with dissimilar properties. This amino acid position is conserved. In addition, the in silico prediction for this alteration is inconclusive. Based on the available evidence, the clinical significance of this variant remains unclear.